The following is an entry in ClinVar:

ClinVar aggregate classification (germline): Uncertain significance (1 of 4 stars; one submission).

gnomAD v4.1: 2 of 1,612,558 alleles (0.00012%); highest among the groups gnomAD compares: Non-Finnish European, 0.00017%; no homozygotes.

Submission:

Labcorp Genetics (formerly Invitae), Labcorp
Classification: Uncertain significance. Last evaluated: 2024-12-30. Review status: criteria provided, single submitter. Criteria: Invitae Variant Classification Sherloc (09022015). Collection method: clinical testing. Allele origin: germline.
Comment: This sequence change replaces proline, which is neutral and non-polar, with leucine, which is neutral and non-polar, at codon 319 of the LTBP2 protein (p.Pro319Leu). This variant is present in population databases (no rsID available, gnomAD 0.01%). This variant has not been reported in the literature in individuals affected with LTBP2-related conditions. An algorithm developed to predict the effect of missense changes on protein structure and function outputs the following: PolyPhen-2: "Benign". The leucine amino acid residue is found in multiple mammalian species, which suggests that this missense change does not adversely affect protein function. In summary, the available evidence is currently insufficient to determine the role of this variant in disease. Therefore, it has been classified as a Variant of Uncertain Significance.

NM_000428.3(LTBP2):c.956C>T (p.Pro319Leu)

Gene: LTBP2 (latent transforming growth factor beta binding protein 2; minus strand). Cytogenetic location: 14q24.3.
Variant type: single nucleotide variant.
Coding change: c.956C>T on transcript NM_000428.3 (MANE Select); coding-DNA position 956, C replaced by T.
Protein change: p.Pro319Leu; replaces proline 319 with leucine.
Molecular consequence: missense variant.
Genome position (GRCh38, 1-based): chr14:74,555,568, G>A on the plus strand (C>T on the coding strand, the complement: LTBP2 is on the minus strand). VCF-style: chr14-74555568-G-A. GRCh37 (hg19) VCF-style: chr14-75022271-G-A.
Other names: short protein forms P319L.
Identifiers: ClinVar variation 3678277 (VCV003678277.2).